The following is an entry in ClinVar:

NM_023110.3(FGFR1):c.745+1G>T

Gene: FGFR1 (fibroblast growth factor receptor 1; minus strand). Cytogenetic location: 8p11.23.
Variant type: single nucleotide variant.
Coding change: c.745+1G>T on transcript NM_023110.3 (MANE Select); the canonical splice donor site of the intron after coding-DNA position 745, G replaced by T.
Molecular consequence: splice donor variant.
Genome position (GRCh38, 1-based): chr8:38,426,121, C>A on the plus strand (G>T on the coding strand, the complement: FGFR1 is on the minus strand). VCF-style: chr8-38426121-C-A. GRCh37 (hg19) VCF-style: chr8-38283639-C-A.
Other names: c.472+1G>T (NM_001354368.2, NM_001354370.2, NM_023106.3); c.478+1G>T (NM_023105.3, NM_001174066.2); c.739+1G>T (NM_001354367.2, NM_015850.4, NM_001354369.2 and 2 more transcripts); c.745+1G>T (NM_001174063.2); c.721+1G>T (NM_001174064.2); c.838+1G>T (NM_001174067.2).
Identifiers: ClinVar variation 2954522 (VCV002954522.3), dbSNP rs2150857240, ClinGen allele CA370735194.

ClinVar aggregate classification (germline): Likely pathogenic (1 of 4 stars; one submission).

Conditions:
Pfeiffer syndrome (ACS5). Also called: ACS V. Identifiers: Orphanet 710, MedGen C0220658, MONDO:0007043, OMIM 101600.
Hypogonadotropic hypogonadism 2 with or without anosmia (HH2). Also called: FGFR1-Related GnRH Deficiency (Kallmann Syndrome 2); HYPOGONADOTROPIC HYPOGONADISM 2 WITHOUT ANOSMIA; HYPOGONADOTROPIC HYPOGONADISM 2 WITH OR WITHOUT ANOSMIA, SUSCEPTIBILITY TO; HYPOGONADOTROPIC HYPOGONADISM 2 WITHOUT ANOSMIA, SUSCEPTIBILITY TO. Identifiers: Orphanet 478, MedGen C1563720, MONDO:0007844, OMIM 147950. Disease mechanism: loss of function.

Submission:

Labcorp Genetics (formerly Invitae), Labcorp
Classification: Likely pathogenic for Pfeiffer syndrome; Hypogonadotropic hypogonadism 2 with or without anosmia. Last evaluated: 2023-12-09. Review status: criteria provided, single submitter. Criteria: Invitae Variant Classification Sherloc (09022015). Collection method: clinical testing. Allele origin: germline.
Comment: This sequence change affects a donor splice site in intron 6 of the FGFR1 gene. It is expected to disrupt RNA splicing. Variants that disrupt the donor or acceptor splice site typically lead to a loss of protein function (PMID: 16199547), and loss-of-function variants in FGFR1 are known to be pathogenic (PMID: 12627230). This variant is not present in population databases (gnomAD no frequency). Disruption of this splice site has been observed in individual(s) with hypogonadotropic hypogonadism (PMID: 34348883). Algorithms developed to predict the effect of sequence changes on RNA splicing suggest that this variant may disrupt the consensus splice site. In summary, the currently available evidence indicates that the variant is pathogenic, but additional data are needed to prove that conclusively. Therefore, this variant has been classified as Likely Pathogenic.

Literature cited by the submitters: PubMed 16199547; PubMed 12627230; PubMed 34348883.